The following is an entry in ClinVar:

ClinVar aggregate classification (germline): Likely benign. Review status: criteria provided, multiple submitters, no conflicts (2 of 4 stars). 3 submissions from 3 submitters: Likely benign (3). Last evaluated 2025-10-29.

Conditions:
Hereditary cancer-predisposing syndrome. Also called: Tumor predisposition; Hereditary Cancer Syndrome; Neoplastic Syndromes, Hereditary; Hereditary neoplastic syndrome. Identifiers: Orphanet 140162, MedGen C0027672, MeSH D009386, MONDO:0015356.
Lynch syndrome 5 (LYNCH5). Also called: Hereditary non-polyposis colorectal cancer, type 5; Colorectal cancer, hereditary nonpolyposis, type 5. Identifiers: Orphanet 144, MedGen C1833477, MONDO:0013710, OMIM 614350. Disease mechanism: loss of function.
Hereditary nonpolyposis colorectal neoplasms. Identifiers: MedGen C0009405, MeSH D003123.

Allele frequency attached by ClinVar (database versions not stated): gnomAD exomes below 0.00001.
gnomAD v4.1: 1 of 1,613,142 alleles (0.000062%); highest among the groups gnomAD compares: African/African-American, 0.0013%; no homozygotes.

Submissions (3):

Labcorp Genetics (formerly Invitae), Labcorp
Classification: Likely benign for Hereditary nonpolyposis colorectal neoplasms. Last evaluated: 2025-10-29. Review status: criteria provided, single submitter. Criteria: Invitae Variant Classification Sherloc (09022015). Collection method: clinical testing. Allele origin: germline.

Myriad Genetics, Inc.
Classification: Likely benign for Lynch syndrome 5. Last evaluated: 2024-12-17. Review status: criteria provided, single submitter. Criteria: Myriad Autosomal Dominant, Autosomal Recessive and X-Linked Classification Criteria (2023). Collection method: clinical testing. Allele origin: unknown.
Comment: This variant is considered likely benign. This variant is intronic and is not expected to impact mRNA splicing.

Color Diagnostics, LLC DBA Color Health
Classification: Likely benign for Hereditary cancer-predisposing syndrome. Last evaluated: 2018-06-05. Review status: criteria provided, single submitter. Criteria: ACMG Guidelines, 2015. Collection method: clinical testing. Allele origin: germline.

NM_000179.3(MSH6):c.261-18A>G

Gene: MSH6 (mutS homolog 6; plus strand). Cytogenetic location: 2p16.3.
Variant type: single nucleotide variant.
Coding change: c.261-18A>G on transcript NM_000179.3 (MANE Select); 18 bases into the intron before coding-DNA position 261, A replaced by G.
Molecular consequence: intron variant.
Genome position (GRCh38, 1-based): chr2:47,790,909, A>G. VCF-style: chr2-47790909-A-G. GRCh37 (hg19) VCF-style: chr2-48018048-A-G.
Other names: c.-476-18A>G (NM_001281493.2); c.237+7439A>G (NM_001281492.2); c.-642-18A>G (NM_001281494.2).
Identifiers: ClinVar variation 627670 (VCV000627670.11), dbSNP rs1558651810, ClinGen allele CA913187983.